The following is an entry in ClinVar:

NM_024589.3(ROGDI):c.286C>T (p.Gln96Ter)

Gene: ROGDI (rogdi atypical leucine zipper; minus strand). Cytogenetic location: 16p13.3.
Variant type: single nucleotide variant.
Coding change: c.286C>T on transcript NM_024589.3 (MANE Select); coding-DNA position 286, C replaced by T.
Protein change: p.Gln96Ter; replaces glutamine 96 with a stop codon.
Molecular consequence: nonsense. On other transcripts: non-coding transcript variant (1).
Genome position (GRCh38, 1-based): chr16:4,800,548, G>A on the plus strand (C>T on the coding strand, the complement: ROGDI is on the minus strand). VCF-style: chr16-4800548-G-A. GRCh37 (hg19) VCF-style: chr16-4850549-G-A.
Other names: short protein forms Q96*.
Identifiers: ClinVar variation 31226 (VCV000031226.12), dbSNP rs387907145, ClinGen allele CA129773.

ClinVar aggregate classification (germline): Pathogenic. Review status: criteria provided, multiple submitters, no conflicts (2 of 4 stars). 3 submissions from 3 submitters: Pathogenic (2). 1 of the submissions does not count toward it. Last evaluated 2020-11-18.

Conditions:
Amelocerebrohypohidrotic syndrome (KTZS). Also called: EPILEPSY AND YELLOW TEETH; EPILEPSY, DEMENTIA, AND AMELOGENESIS IMPERFECTA; KOHLSCHUTTER SYNDROME; Kohlschutter's syndrome. Identifiers: Orphanet 1946, MedGen C0406740, MONDO:0009185, OMIM 226750.

Allele frequency attached by ClinVar (database versions not stated): gnomAD exomes below 0.00001.

Submissions (3):

Labcorp Genetics (formerly Invitae), Labcorp
Classification: Pathogenic for Amelocerebrohypohidrotic syndrome. Last evaluated: 2020-11-18. Review status: criteria provided, single submitter. Criteria: Invitae Variant Classification Sherloc (09022015). Collection method: clinical testing. Allele origin: germline.
Comment: This sequence change creates a premature translational stop signal (p.Gln96*) in the ROGDI gene. It is expected to result in an absent or disrupted protein product. This variant is not present in population databases (ExAC no frequency). This variant has been observed in individual(s) with Kohlschutter-Tonz syndrome (PMID: 22424600). ClinVar contains an entry for this variant (Variation ID: 31226). Loss-of-function variants in ROGDI are known to be pathogenic (PMID: 22424600, 23086778). For these reasons, this variant has been classified as Pathogenic.

Undiagnosed Diseases Network, NIH
Classification: Pathogenic for Amelocerebrohypohidrotic syndrome. Last evaluated: 2015-12-23. Review status: criteria provided, single submitter. Criteria: ACMG Guidelines, 2015. Collection method: clinical testing. Allele origin: maternal. Affected: yes. Observed: 1 compound heterozygote.

OMIM
Classification: Pathogenic for KOHLSCHUTTER-TONZ SYNDROME. Last evaluated: 2006-02-01. Review status: no assertion criteria provided. Collection method: literature only. Allele origin: germline. Not counted in ClinVar's aggregate classification.

Literature cited by the submitters: PubMed 22424600 (cited by Labcorp Genetics (formerly Invitae), Labcorp); PubMed 23086778 (cited by Labcorp Genetics (formerly Invitae), Labcorp); PubMed 16411202 (cited by OMIM); Schossig, A., Wolf, N., Koch, M. J., Bast, T., Hoffmann, G. F., Zschocke, J., Kohlschutter, A. Epileptische Enzephalopathie und Zahnschmelzdefekt (Kohlschutter-Tonz-Syndrom): Drei Fallberichte und Literaturubersicht. Med. Genetik 4: 422-426, 2007. (cited by OMIM).